The following is an entry in ClinVar:

NM_004526.4(MCM2):c.622G>A (p.Asp208Asn)

Gene: MCM2 (minichromosome maintenance complex component 2; plus strand). Cytogenetic location: 3q21.3.
Variant type: single nucleotide variant.
Coding change: c.622G>A on transcript NM_004526.4 (MANE Select); coding-DNA position 622, G replaced by A.
Protein change: p.Asp208Asn; replaces aspartic acid 208 with asparagine.
Molecular consequence: missense variant. On other transcripts: non-coding transcript variant (1).
Genome position (GRCh38, 1-based): chr3:127,605,105, G>A. VCF-style: chr3-127605105-G-A. GRCh37 (hg19) VCF-style: chr3-127323948-G-A.
Other names: short protein forms D208N.
Identifiers: ClinVar variation 2177237 (VCV002177237.5), dbSNP rs201424836, ClinGen allele CA2595646.
Genomic context (GRCh38, chr3:127,605,105, plus strand): 5'-ATGGCGGGCCCCCGGCTGGAGATCCACCACCGCTTCAAGAACTTCCTGCGCACTCACGTC[G>A]ACAGCCACGGCCACAACGTCTTCAAGGAGCGCATCAGCGACATGTGCAAAGGTGTGGCTT-3'
Protein context (NP_004517.2, residues 198-218): RFKNFLRTHV[Asp208Asn]SHGHNVFKER

ClinVar aggregate classification (germline): Conflicting classifications of pathogenicity. Review status: criteria provided, conflicting classifications (1 of 4 stars). 2 submissions from 2 submitters: Uncertain significance (1); Likely benign (1). Last evaluated 2022-07-27.

Allele frequency attached by ClinVar (database versions not stated): TOPMed 0.00001; gnomAD 0.00002; gnomAD exomes 0.00002; ExAC 0.00007; 1000 Genomes Project 30x 0.00031; 1000 Genomes Project 0.00040.
gnomAD v4.1: 34 of 1,614,024 alleles (0.0021%); highest among the groups gnomAD compares: East Asian, 0.058%; no homozygotes.

Submissions (2):

Blueprint Genetics
Classification: Likely benign. Last evaluated: 2022-07-27. Review status: criteria provided, single submitter. Criteria: ACMG Guidelines, 2015. Collection method: clinical testing. Allele origin: germline.

Labcorp Genetics (formerly Invitae), Labcorp
Classification: Uncertain significance. Last evaluated: 2022-01-03. Review status: criteria provided, single submitter. Criteria: Invitae Variant Classification Sherloc (09022015). Collection method: clinical testing. Allele origin: germline.
Comment: In summary, the available evidence is currently insufficient to determine the role of this variant in disease. Therefore, it has been classified as a Variant of Uncertain Significance. Algorithms developed to predict the effect of missense changes on protein structure and function are either unavailable or do not agree on the potential impact of this missense change (SIFT: "Deleterious"; PolyPhen-2: "Benign"; Align-GVGD: "Class C0"). This variant has not been reported in the literature in individuals affected with MCM2-related conditions. This variant is present in population databases (rs201424836, gnomAD 0.08%), and has an allele count higher than expected for a pathogenic variant. This sequence change replaces aspartic acid, which is acidic and polar, with asparagine, which is neutral and polar, at codon 208 of the MCM2 protein (p.Asp208Asn).